The following is an entry in ClinVar:

ClinVar aggregate classification (germline): Conflicting classifications of pathogenicity. Review status: criteria provided, conflicting classifications (1 of 4 stars). 3 submissions from 3 submitters: Uncertain significance (1); Likely benign (2). Last evaluated 2025-12-30.

Conditions:
DYNC1H1-related disorder. Also called: DYNC1H1-related condition; DYNC1H1-related disorders. Identifiers: MedGen CN381529.
Charcot-Marie-Tooth disease axonal type 2O. Also called: CHARCOT-MARIE-TOOTH DISEASE, AXONAL, AUTOSOMAL DOMINANT, TYPE 2O; CHARCOT-MARIE-TOOTH NEUROPATHY, AXONAL, TYPE 2O; Charcot-Marie-Tooth Neuropathy Type 2O; Charcot-Marie-Tooth disease, axonal, type 20. Identifiers: Orphanet 284232, MedGen C3280220, MONDO:0013644, OMIM 614228.
Inborn genetic diseases. Identifiers: MedGen C0950123, MeSH D030342.

Allele frequency attached by ClinVar (database versions not stated): gnomAD 0.00001; gnomAD exomes 0.00001 and 0.00005; TOPMed 0.00001; ExAC 0.00002.
gnomAD v4.1: 16 of 1,597,020 alleles (0.001%); highest among the groups gnomAD compares: Admixed American, 0.018%; no homozygotes.

Submissions (3):

PreventionGenetics, part of Exact Sciences
Classification: Uncertain significance for DYNC1H1-related condition. Last evaluated: 2025-12-30. Review status: criteria provided, single submitter. Criteria: ACMG Guidelines, 2015. Collection method: clinical testing. Allele origin: germline.
Comment: The DYNC1H1 c.22G>A variant is predicted to result in the amino acid substitution p.Gly8Ser. To our knowledge, this variant has not been reported in the literature. This variant is reported in 0.027% of alleles in individuals of Latino descent in gnomAD. Although we suspect that this variant may be benign, at this time, the clinical significance of this variant is uncertain due to the absence of conclusive functional and genetic evidence.

Labcorp Genetics (formerly Invitae), Labcorp
Classification: Likely benign for Charcot-Marie-Tooth disease axonal type 2O. Last evaluated: 2025-12-05. Review status: criteria provided, single submitter. Criteria: Invitae Variant Classification Sherloc (09022015). Collection method: clinical testing. Allele origin: germline.

Ambry Genetics
Classification: Likely benign for Inborn genetic diseases. Last evaluated: 2025-04-03. Review status: criteria provided, single submitter. Criteria: Ambry Variant Classification Scheme 2023. Collection method: clinical testing. Allele origin: germline.

NM_001376.5(DYNC1H1):c.22G>A (p.Gly8Ser)

Gene: DYNC1H1 (dynein cytoplasmic 1 heavy chain 1; plus strand). Cytogenetic location: 14q32.31.
Variant type: single nucleotide variant.
Coding change: c.22G>A on transcript NM_001376.5 (MANE Select); coding-DNA position 22, G replaced by A.
Protein change: p.Gly8Ser; replaces glycine 8 with serine.
Molecular consequence: missense variant.
Genome position (GRCh38, 1-based): chr14:101,964,713, G>A. VCF-style: chr14-101964713-G-A. GRCh37 (hg19) VCF-style: chr14-102431050-G-A.
Other names: short protein forms G8S.
Identifiers: ClinVar variation 839933 (VCV000839933.11), dbSNP rs774412818, ClinGen allele CA7351437.